The following is an entry in ClinVar:

ClinVar aggregate classification (germline): Likely benign (0 of 4 stars; one submission).

Conditions:
RAI1-related disorder. Also called: RAI1-related condition.

Submission:

PreventionGenetics, part of Exact Sciences
Classification: Likely benign for RAI1-related condition. Last evaluated: 2021-10-05. Review status: no assertion criteria provided. Collection method: clinical testing. Allele origin: germline.
Comment: This variant is classified as likely benign based on ACMG/AMP sequence variant interpretation guidelines (Richards et al. 2015 PMID: 25741868, with internal and published modifications).

NM_030665.4(RAI1):c.2619C>T (p.Ser873=)

Gene: RAI1 (retinoic acid induced 1; plus strand). Cytogenetic location: 17p11.2.
Variant type: single nucleotide variant.
Coding change: c.2619C>T on transcript NM_030665.4 (MANE Select); coding-DNA position 2619, C replaced by T.
Protein change: p.Ser873=; no amino-acid change (serine 873 retained).
Molecular consequence: synonymous variant.
Genome position (GRCh38, 1-based): chr17:17,795,567, C>T. VCF-style: chr17-17795567-C-T. GRCh37 (hg19) VCF-style: chr17-17698881-C-T.
Identifiers: ClinVar variation 3355106 (VCV003355106.1), dbSNP rs267604761.